The following is an entry in ClinVar:

ClinVar aggregate classification (germline): Benign. Review status: criteria provided, multiple submitters, no conflicts (2 of 4 stars). 4 submissions from 4 submitters: Benign (4). Last evaluated 2026-02-03.

Conditions:
Occult macular dystrophy (OCMD). Also called: OMD; OCCULT MACULAR DYSTROPHY, SUSCEPTIBILITY TO. Identifiers: Orphanet 247834, MedGen C3150833, MONDO:0013316, OMIM 613587, HP:0030636.

Allele frequency attached by ClinVar (database versions not stated): ESP Exome Variant Server 0.18485; gnomAD 0.19126 and 0.20510; 1000 Genomes Project 0.21126; TOPMed 0.21651; 1000 Genomes Project 30x 0.22423.
gnomAD v4.1: 58,629 of 1,613,054 alleles (3.6%); highest among the groups gnomAD compares: African/African-American, 66%; 17,275 homozygotes.

Submissions (4):

Labcorp Genetics (formerly Invitae), Labcorp
Classification: Benign. Last evaluated: 2026-02-03. Review status: criteria provided, single submitter. Criteria: Invitae Variant Classification Sherloc (09022015). Collection method: clinical testing. Allele origin: germline.

GeneDx
Classification: Benign. Last evaluated: 2021-02-01. Review status: criteria provided, single submitter. Criteria: GeneDx Variant Classification Process June 2021. Collection method: clinical testing. Allele origin: germline. Affected: yes.

Illumina Laboratory Services, Illumina
Classification: Benign for Occult macular dystrophy. Last evaluated: 2018-01-13. Review status: criteria provided, single submitter. Criteria: ICSL Variant Classification Criteria 13 December 2019. Collection method: clinical testing. Allele origin: germline.
Comment: This variant was observed in the ICSL laboratory as part of a predisposition screen in an ostensibly healthy population. It had not been previously curated by ICSL or reported in the Human Gene Mutation Database (HGMD: prior to June 1st, 2018), and was therefore a candidate for classification through an automated scoring system. Utilizing variant allele frequency, disease prevalence and penetrance estimates, and inheritance mode, an automated score was calculated to assess if this variant is too frequent to cause the disease. Based on the score and internal cut-off values, a variant classified as benign is not then subjected to further curation. The score for this variant resulted in a classification of benign for this disease.

Breakthrough Genomics
Classification: Benign. Review status: criteria provided, single submitter. Criteria: ACMG Guidelines, 2015. Collection method: not provided. Allele origin: germline. Inheritance: Autosomal recessive inheritance. Affected: yes.

NM_178857.6(RP1L1):c.335C>G (p.Thr112Ser)

Gene: RP1L1 (RP1 like 1). Cytogenetic location: 8p23.1.
Variant type: single nucleotide variant.
Coding change: c.335C>G on transcript NM_178857.6 (MANE Select); coding-DNA position 335, C replaced by G.
Protein change: p.Thr112Ser; replaces threonine 112 with serine.
Molecular consequence: missense variant.
Genome position (GRCh38, 1-based): chr8:10,622,867, G>C on the plus strand (C>G on the coding strand, the complement: RP1L1 is on the minus strand). VCF-style: chr8-10622867-G-C. GRCh37 (hg19) VCF-style: chr8-10480377-G-C.
Other names: short protein forms T112S.
Identifiers: ClinVar variation 361416 (VCV000361416.15), dbSNP rs6601495, ClinGen allele CA4625751.
Genomic context (GRCh38, chr8:10,622,867, plus strand): 5'-ACATCCCGCAACTGCTGAGCAGTGGGGTTTCTCTCCTGTGGCCGGCCTGGTCCACTGGGG[G>C]TCTTGGGGGGCTTCTTATCAGAGCAGAGGTAGCAGCCTCCATCTTCCAGCTGCTCCAGGG-3'
Protein context (NP_849188.4, residues 102-122): YLCSDKKPPK[Thr112Ser]PSGPGRPQER